The following is an entry in ClinVar:

NM_001005242.3(PKP2):c.1238G>A (p.Arg413Gln)

Gene: PKP2 (plakophilin 2; minus strand). Cytogenetic location: 12p11.21.
Variant type: single nucleotide variant.
Coding change: c.1238G>A on transcript NM_001005242.3 (MANE Select); coding-DNA position 1238, G replaced by A.
Protein change: p.Arg413Gln; replaces arginine 413 with glutamine.
Molecular consequence: missense variant.
Genome position (GRCh38, 1-based): chr12:32,850,906, C>T on the plus strand (G>A on the coding strand, the complement: PKP2 is on the minus strand). VCF-style: chr12-32850906-C-T. GRCh37 (hg19) VCF-style: chr12-33003840-C-T.
Other names: c.1238G>A, p.Arg413Gln (NM_004572.4); short protein forms R413Q.
Identifiers: ClinVar variation 191766 (VCV000191766.15), dbSNP rs200715477, ClinGen allele CA010916.

ClinVar aggregate classification (germline): Uncertain significance. Review status: criteria provided, multiple submitters, no conflicts (2 of 4 stars). 6 submissions from 6 submitters: Uncertain significance (6). Last evaluated 2025-06-10.

Conditions:
Cardiovascular phenotype. Identifiers: MedGen CN230736.
Arrhythmogenic right ventricular cardiomyopathy (ARVD). Also called: Arrhythmogenic cardiomyopathy; Arrhythmogenic Right Ventricular Cardiomyopathy (ARVC); Cardiomyopathy, ARVC; Arrhythmogenic right ventricular dysplasia. Identifiers: Orphanet 247, MedGen C0349788, MeSH D019571, MONDO:0016587. Disease mechanism: loss of function. Inheritance: Various modes of inheritance.
Cardiomyopathy (CMYO). Also called: Cardiomyopathies. Identifiers: Orphanet 167848, MedGen C0878544, MONDO:0004994, HP:0001638. Inheritance: Various modes of inheritance.
Arrhythmogenic right ventricular dysplasia 9 (ARVD9). Also called: Arrhythmogenic Right Ventricular Dysplasia/Cardiomyopathy 9; ARRHYTHMOGENIC RIGHT VENTRICULAR DYSPLASIA, FAMILIAL, 9. Identifiers: MedGen C1836906, MONDO:0012180, OMIM 609040.

Allele frequency attached by ClinVar (database versions not stated): gnomAD exomes 0.00002 and 0.00007; gnomAD 0.00004; TOPMed 0.00004; ESP Exome Variant Server 0.00008; ExAC 0.00012.
gnomAD v4.1: 45 of 1,613,970 alleles (0.0028%); highest among the groups gnomAD compares: Non-Finnish European, 0.0027%; no homozygotes.

Submissions (6):

Ambry Genetics
Classification: Uncertain significance for Cardiovascular phenotype. Last evaluated: 2025-06-10. Review status: criteria provided, single submitter. Criteria: Ambry Variant Classification Scheme 2023. Collection method: clinical testing. Allele origin: germline.
Comment: The p.R413Q variant (also known as c.1238G>A), located in coding exon 5 of the PKP2 gene, results from a G to A substitution at nucleotide position 1238. The arginine at codon 413 is replaced by glutamine, an amino acid with highly similar properties. This amino acid position is well conserved in available vertebrate species. In addition, this alteration is predicted to be tolerated by in silico analysis. Based on the available evidence, the clinical significance of this variant remains unclear.

Labcorp Genetics (formerly Invitae), Labcorp
Classification: Uncertain significance for Arrhythmogenic right ventricular dysplasia 9. Last evaluated: 2025-04-03. Review status: criteria provided, single submitter. Criteria: Invitae Variant Classification Sherloc (09022015). Collection method: clinical testing. Allele origin: germline.
Comment: This sequence change replaces arginine, which is basic and polar, with glutamine, which is neutral and polar, at codon 413 of the PKP2 protein (p.Arg413Gln). This variant is present in population databases (rs200715477, gnomAD 0.01%). This variant has not been reported in the literature in individuals affected with PKP2-related conditions. ClinVar contains an entry for this variant (Variation ID: 191766). An algorithm developed to predict the effect of missense changes on protein structure and function (PolyPhen-2) suggests that this variant is likely to be tolerated. In summary, the available evidence is currently insufficient to determine the role of this variant in disease. Therefore, it has been classified as a Variant of Uncertain Significance.

All of Us Research Program, National Institutes of Health
Classification: Uncertain significance for Arrhythmogenic right ventricular cardiomyopathy. Last evaluated: 2024-07-29. Review status: criteria provided, single submitter. Criteria: ACMG Guidelines, 2015. Collection method: clinical testing. Allele origin: germline. Inheritance: Autosomal dominant inheritance. Observed: 9 variant alleles, 9 heterozygotes.
Comment: This missense variant replaces arginine with glutamine at codon 413 of the PKP2 protein. Computational prediction tools and conservation analyses are inconclusive regarding the impact of this variant on the protein function. Computational splicing tools suggest that this variant may not impact RNA splicing. To our knowledge, functional assays have not been performed for this variant nor has this variant been reported in individuals affected with cardiovascular disorders in the literature. This variant has been identified in 19/282750 chromosomes in the general population by the Genome Aggregation Database (gnomAD). Available evidence is insufficient to determine the role of this variant in disease conclusively. Therefore, this variant is classified as a Variant of Uncertain Significance.

This study involves interpretation of variants in research participants for the purpose of population health screening. Participant phenotype was not available at the time of variant classification. Additional details can be found in publication PMID: 35346344, PMCID: PMC8962531

Color Diagnostics, LLC DBA Color Health
Classification: Uncertain significance for Cardiomyopathy. Last evaluated: 2024-03-19. Review status: criteria provided, single submitter. Criteria: ACMG Guidelines, 2015. Collection method: clinical testing. Allele origin: germline.
Comment: This missense variant replaces arginine with glutamine at codon 413 of the PKP2 protein. Computational prediction suggests that this variant may not impact protein structure and function. To our knowledge, functional studies have not been reported for this variant. This variant has not been reported in individuals affected with PKP2-related disorders in the literature. This variant has been identified in 19/282750 chromosomes in the general population by the Genome Aggregation Database (gnomAD). The available evidence is insufficient to determine the role of this variant in disease conclusively. Therefore, this variant is classified as a Variant of Uncertain Significance.

GeneDx
Classification: Uncertain significance. Last evaluated: 2022-01-31. Review status: criteria provided, single submitter. Criteria: GeneDx Variant Classification Process June 2021. Collection method: clinical testing. Allele origin: germline. Affected: yes.
Comment: Has not been previously published as pathogenic or benign to our knowledge; In silico analysis supports that this missense variant does not alter protein structure/function; Reported in ClinVar but additional evidence is not available (ClinVar Variant ID #191766)

Biesecker Lab/Clinical Genomics Section, National Institutes of Health
Classification: Uncertain significance. Last evaluated: 2013-06-24. Review status: criteria provided, single submitter. Criteria: Ng et al. (Circ Cardiovasc Genet. 2013). Collection method: research. Allele origin: unknown. Observed: 1 variant allele. Study: ClinSeq.
Comment: The study set was not selected for affection status in relation to any cancer. Pathogenicity categories were based on literature curation. See Pubmed ID:23861362 for details.

Medical sequencing